The following is an entry in ClinVar:

ClinVar aggregate classification (germline): Uncertain significance (1 of 4 stars; one submission).

Submission:

Ambry Genetics
Classification: Uncertain significance. Last evaluated: 2024-07-15. Review status: criteria provided, single submitter. Criteria: Ambry Variant Classification Scheme 2023. Collection method: clinical testing. Allele origin: germline.
Comment: The p.A143E variant (also known as c.428C>A), located in coding exon 5 of the NQO1 gene, results from a C to A substitution at nucleotide position 428. The alanine at codon 143 is replaced by glutamic acid, an amino acid with dissimilar properties. This amino acid position is conserved. In addition, the in silico prediction for this alteration is inconclusive. Based on the available evidence, the clinical significance of this variant remains unclear.

NM_000903.3(NQO1):c.428C>A (p.Ala143Glu)

Gene: NQO1 (NAD(P)H quinone dehydrogenase 1; minus strand). Cytogenetic location: 16q22.1.
Variant type: single nucleotide variant.
Coding change: c.428C>A on transcript NM_000903.3 (MANE Select); coding-DNA position 428, C replaced by A.
Protein change: p.Ala143Glu; replaces alanine 143 with glutamic acid.
Molecular consequence: missense variant. On other transcripts: intron variant (2).
Genome position (GRCh38, 1-based): chr16:69,713,119, G>T on the plus strand (C>A on the coding strand, the complement: NQO1 is on the minus strand). VCF-style: chr16-69713119-G-T. GRCh37 (hg19) VCF-style: chr16-69747022-G-T.
Other names: c.314C>A, p.Ala105Glu (NM_001025434.2); c.304-1838C>A (NM_001286137.2); c.418-1838C>A (NM_001025433.2); short protein forms A143E, A105E.
Identifiers: ClinVar variation 3407560 (VCV003407560.1).